The following is an entry in ClinVar:

NM_002709.3(PPP1CB):c.879+8G>A

Gene: PPP1CB (protein phosphatase 1 catalytic subunit beta; plus strand). Cytogenetic location: 2p23.2.
Variant type: single nucleotide variant.
Coding change: c.879+8G>A on transcript NM_002709.3 (MANE Select); 8 bases into the intron after coding-DNA position 879, G replaced by A.
Molecular consequence: intron variant.
Genome position (GRCh38, 1-based): chr2:28,794,005, G>A. VCF-style: chr2-28794005-G-A. GRCh37 (hg19) VCF-style: chr2-29016871-G-A.
Other names: c.879+8G>A (NM_206876.2).
Identifiers: ClinVar variation 3050508 (VCV003050508.4), dbSNP rs747468547, ClinGen allele CA1589324.

ClinVar aggregate classification (germline): Conflicting classifications of pathogenicity. Review status: criteria provided, conflicting classifications (1 of 4 stars). 3 submissions from 3 submitters: Uncertain significance (1); Likely benign (1). 1 of the submissions does not count toward it. Last evaluated 2025-05-05.

Conditions:
PPP1CB-related disorder. Also called: PPP1CB-related condition.

Allele frequency attached by ClinVar (database versions not stated): ExAC 0.00001; gnomAD exomes 0.00001; TOPMed 0.00001.
gnomAD v4.1: 5 of 1,600,840 alleles (0.00031%); highest among the groups gnomAD compares: East Asian, 0.0089%; no homozygotes.

Submissions (3):

Labcorp Genetics (formerly Invitae), Labcorp
Classification: Likely benign. Last evaluated: 2025-05-05. Review status: criteria provided, single submitter. Criteria: Invitae Variant Classification Sherloc (09022015). Collection method: clinical testing. Allele origin: germline.

Women's Health and Genetics/Laboratory Corporation of America, LabCorp
Classification: Uncertain significance. Last evaluated: 2024-12-30. Review status: criteria provided, single submitter. Criteria: LabCorp Variant Classification Summary - May 2015. Collection method: clinical testing. Allele origin: germline.

PreventionGenetics, part of Exact Sciences
Classification: Likely benign for PPP1CB-related condition. Last evaluated: 2023-11-27. Review status: no assertion criteria provided. Collection method: clinical testing. Allele origin: germline. Not counted in ClinVar's aggregate classification.
Comment: This variant is classified as likely benign based on ACMG/AMP sequence variant interpretation guidelines (Richards et al. 2015 PMID: 25741868, with internal and published modifications).